The following is an entry in ClinVar:

ClinVar aggregate classification (germline): Likely pathogenic (1 of 4 stars; one submission).

Conditions:
COG8-congenital disorder of glycosylation. Also called: COG8-CDG; CDG IIh. Identifiers: Orphanet 95428, MedGen C1970021, MONDO:0012635, OMIM 611182.

Submission:

Labcorp Genetics (formerly Invitae), Labcorp
Classification: Likely pathogenic for COG8-congenital disorder of glycosylation. Last evaluated: 2022-02-10. Review status: criteria provided, single submitter. Criteria: Invitae Variant Classification Sherloc (09022015). Collection method: clinical testing. Allele origin: germline.
Comment: This variant is not present in population databases (gnomAD no frequency). In summary, the currently available evidence indicates that the variant is pathogenic, but additional data are needed to prove that conclusively. Therefore, this variant has been classified as Likely Pathogenic. Algorithms developed to predict the effect of sequence changes on RNA splicing suggest that this variant may disrupt the consensus splice site. ClinVar contains an entry for this variant (Variation ID: 659501). This variant has not been reported in the literature in individuals affected with COG8-related conditions. This sequence change affects a donor splice site in intron 2 of the COG8 gene. It is expected to disrupt RNA splicing. Variants that disrupt the donor or acceptor splice site typically lead to a loss of protein function (PMID: 16199547), and loss-of-function variants in COG8 are known to be pathogenic (PMID: 17220172, 23806237).

Literature cited by the submitters: PubMed 16199547; PubMed 17220172; PubMed 23806237.

NM_032382.5(COG8):c.585+1G>T

Gene: COG8 (component of oligomeric golgi complex 8; minus strand). Cytogenetic location: 16q22.1.
Variant type: single nucleotide variant.
Coding change: c.585+1G>T on transcript NM_032382.5 (MANE Select); the canonical splice donor site of the intron after coding-DNA position 585, G replaced by T.
Molecular consequence: splice donor variant.
Genome position (GRCh38, 1-based): chr16:69,336,504, C>A on the plus strand (G>T on the coding strand, the complement: COG8 is on the minus strand). VCF-style: chr16-69336504-C-A. GRCh37 (hg19) VCF-style: chr16-69370407-C-A.
Other names: c.585+1G>T (NM_001379266.1, NM_001379265.1, NM_001379262.1 and 4 more transcripts).
Identifiers: ClinVar variation 659501 (VCV000659501.7), dbSNP rs1597225261, ClinGen allele CA396488116.